The following is an entry in ClinVar:

NM_002123.5(HLA-DQB1):c.80_81insTT (p.Leu28fs)

Gene: HLA-DQB1 (major histocompatibility complex, class II, DQ beta 1; minus strand). Cytogenetic location: 6p21.32.
Variant type: Insertion.
Coding change: c.80_81insTT on transcript NM_002123.5 (MANE Select); coding-DNA positions 80 to 81, TT inserted.
Protein change: p.Leu28fs; shifts the reading frame from leucine 28.
Molecular consequence: frameshift variant.
Genome position: GRCh38 VCF-style: chr6-32666527-G-GAA. GRCh37 (hg19) VCF-style: chr6-32634304-G-GAA.
Other names: c.80_81insTT, p.Leu28fs (NM_001243961.2); c.80_81insTT, p.Pro28fs (NM_001243962.1); short protein forms L28fs, P28fs.
Identifiers: ClinVar variation 2656475 (VCV002656475.24), dbSNP rs778891121, ClinGen allele CA3744763.

ClinVar aggregate classification (germline): Benign (1 of 4 stars; one submission).

Allele frequency attached by ClinVar (database versions not stated): gnomAD exomes 0.00060; gnomAD 0.00119; ExAC 0.00156; 1000 Genomes Project 30x 0.00656.

Submission:

CeGaT Center for Human Genetics Tuebingen
Classification: Benign. Last evaluated: 2023-03-01. Review status: criteria provided, single submitter. Criteria: CeGaT Center For Human Genetics Tuebingen Variant Classification Criteria Version 2. Collection method: clinical testing. Allele origin: germline. Affected: yes. Observed: 1 variant allele.
Comment: HLA-DQB1: BS1, BS2